The following is an entry in ClinVar:

ClinVar aggregate classification (germline): Uncertain significance. Review status: criteria provided, multiple submitters, no conflicts (2 of 4 stars). 4 submissions from 4 submitters: Uncertain significance (4). Last evaluated 2025-09-10.

Conditions:
Renal cell carcinoma. Identifiers: Orphanet 217071, MedGen C0007134, MeSH D002292, MONDO:0005086, HP:0005584.
Hereditary cancer-predisposing syndrome. Also called: Neoplastic Syndromes, Hereditary; Hereditary Cancer Syndrome; Tumor predisposition; Hereditary neoplastic syndrome. Identifiers: Orphanet 140162, MedGen C0027672, MeSH D009386, MONDO:0015356.
Autosomal recessive nonsyndromic hearing loss 97. Also called: Deafness, autosomal recessive 97. Identifiers: Orphanet 90636, MedGen C4084709, MONDO:0014739, OMIM 616705.

Allele frequency attached by ClinVar (database versions not stated): gnomAD exomes below 0.00001; TOPMed 0.00001.
gnomAD v4.1: 2 of 1,614,116 alleles (0.00012%); highest among the groups gnomAD compares: Non-Finnish European, 0.00017%; no homozygotes.

Submissions (4):

Ambry Genetics
Classification: Uncertain significance for Hereditary cancer-predisposing syndrome. Last evaluated: 2025-09-10. Review status: criteria provided, single submitter. Criteria: Ambry Variant Classification Scheme 2023. Collection method: clinical testing. Allele origin: germline.
Comment: The p.L455I variant (also known as c.1363C>A), located in coding exon 2 of the MET gene, results from a C to A substitution at nucleotide position 1363. The leucine at codon 455 is replaced by isoleucine, an amino acid with highly similar properties. This amino acid position is highly conserved in available vertebrate species. In addition, this alteration is predicted to be tolerated by in silico analysis. Based on the available evidence, the clinical significance of this variant remains unclear.

Labcorp Genetics (formerly Invitae), Labcorp
Classification: Uncertain significance for Renal cell carcinoma. Last evaluated: 2025-05-22. Review status: criteria provided, single submitter. Criteria: Invitae Variant Classification Sherloc (09022015). Collection method: clinical testing. Allele origin: germline.
Comment: This sequence change replaces leucine, which is neutral and non-polar, with isoleucine, which is neutral and non-polar, at codon 455 of the MET protein (p.Leu455Ile). This variant is not present in population databases (gnomAD no frequency). This variant has not been reported in the literature in individuals affected with MET-related conditions. ClinVar contains an entry for this variant (Variation ID: 1038186). Invitae Evidence Modeling of protein sequence and biophysical properties (such as structural, functional, and spatial information, amino acid conservation, physicochemical variation, residue mobility, and thermodynamic stability) indicates that this missense variant is not expected to disrupt MET protein function with a negative predictive value of 80%. In summary, the available evidence is currently insufficient to determine the role of this variant in disease. Therefore, it has been classified as a Variant of Uncertain Significance.

GeneDx
Classification: Uncertain significance. Last evaluated: 2024-01-16. Review status: criteria provided, single submitter. Criteria: GeneDx Variant Classification Process June 2021. Collection method: clinical testing. Allele origin: germline. Affected: yes.
Comment: Not observed at significant frequency in large population cohorts (gnomAD); In silico analysis supports that this missense variant does not alter protein structure/function; Has not been previously published as pathogenic or benign to our knowledge

Baylor Genetics
Classification: Uncertain significance for Autosomal recessive nonsyndromic hearing loss 97. Last evaluated: 2023-12-26. Review status: criteria provided, single submitter. Criteria: ACMG Guidelines, 2015. Collection method: clinical testing. Allele origin: unknown.

NM_000245.4(MET):c.1363C>A (p.Leu455Ile)

Gene: MET (MET proto-oncogene, receptor tyrosine kinase; plus strand). Cytogenetic location: 7q31.2.
Variant type: single nucleotide variant.
Coding change: c.1363C>A on transcript NM_000245.4 (MANE Select); coding-DNA position 1363, C replaced by A.
Protein change: p.Leu455Ile; replaces leucine 455 with isoleucine.
Molecular consequence: missense variant.
Genome position (GRCh38, 1-based): chr7:116,731,830, C>A. VCF-style: chr7-116731830-C-A. GRCh37 (hg19) VCF-style: chr7-116371884-C-A.
Other names: c.1363C>A, p.Leu455Ile (NM_001127500.3, NM_001324401.3); c.73C>A, p.Leu25Ile (NM_001324402.2); short protein forms L25I, L455I.
Identifiers: ClinVar variation 1038186 (VCV001038186.14), dbSNP rs780077898, ClinGen allele CA368973051.